The following is an entry in ClinVar:

NM_206933.4(USH2A):c.11145T>A (p.Tyr3715Ter)

Gene: USH2A (usherin; minus strand). Cytogenetic location: 1q41.
Variant type: single nucleotide variant.
Coding change: c.11145T>A on transcript NM_206933.4 (MANE Select); coding-DNA position 11145, T replaced by A.
Protein change: p.Tyr3715Ter; replaces tyrosine 3715 with a stop codon.
Molecular consequence: nonsense.
Genome position (GRCh38, 1-based): chr1:215,759,746, A>T on the plus strand (T>A on the coding strand, the complement: USH2A is on the minus strand). VCF-style: chr1-215759746-A-T. GRCh37 (hg19) VCF-style: chr1-215933088-A-T.
Other names: short protein forms Y3715*.
Identifiers: ClinVar variation 179075 (VCV000179075.5), dbSNP rs727504608, ClinGen allele CA273579.
Genomic context (GRCh38, chr1:215,759,746, plus strand): 5'-AGTGAAATTCTGCTCCTCACTGCCACCCAGGAAAAGCAAGTTTCCATTACGACTCAATTG[A>T]TATTGAGAAACGAGGCCATTGGGCTTTTCTGGCAGACTCCAATATAATTCCACTGTTGTA-3'

ClinVar aggregate classification (germline): Pathogenic (1 of 4 stars; one submission).

Conditions:
Rare genetic deafness. Identifiers: Orphanet 96210, MedGen C5680250.

Submission:

Laboratory for Molecular Medicine, Mass General Brigham Personalized Medicine
Classification: Pathogenic for Rare genetic deafness. Last evaluated: 2013-06-11. Review status: criteria provided, single submitter. Criteria: LMM Criteria. Collection method: clinical testing. Allele origin: germline. Inheritance: Autosomal recessive inheritance. Observed: 1 variant allele.
Comment: The Tyr3715X variant in USH2A has not been reported in individuals with hearing loss or in large population studies. This nonsense variant leads to a premature termination codon at position 3715, which is predicted to lead to a truncated or absent protein. In summary, this variant meets our criteria to be classified as pathogenic.